The following is an entry in ClinVar:

ClinVar aggregate classification (germline): Uncertain significance. Review status: criteria provided, multiple submitters, no conflicts (2 of 4 stars). 2 submissions from 2 submitters: Uncertain significance (2). Last evaluated 2025-04-17.

Conditions:
Ehlers-Danlos syndrome, classic type, 1 (EDSCL1). Also called: Ehlers-Danlos Syndrome, Classic Type, COL5A1-Related; EHLERS-DANLOS SYNDROME, GRAVIS TYPE; EHLERS-DANLOS SYNDROME, SEVERE CLASSIC TYPE; Ehlers-Danlos syndrome, type 1; EDS I. Identifiers: MedGen C0268335, MONDO:0019567, OMIM 130000.
Osteogenesis imperfecta type I (OI1). Also called: OI, TYPE I; OSTEOGENESIS IMPERFECTA TARDA; OSTEOGENESIS IMPERFECTA WITH BLUE SCLERAE; Osteogenesis imperfecta type 1; Classic Non-deforming Osteogenesis Imperfecta with Blue Sclerae; Lobstein's Disease. Identifiers: Orphanet 216796, Orphanet 666, MedGen C0023931, MONDO:0008146, OMIM 166200. Disease mechanism: loss of function.

Allele frequency attached by ClinVar (database versions not stated): ExAC 0.00003; TOPMed below 0.00001; gnomAD exomes 0.00002.
gnomAD v4.1: 9 of 1,612,234 alleles (0.00056%); highest among the groups gnomAD compares: Admixed American, 0.013%; no homozygotes.

Submissions (2):

Athena Diagnostics
Classification: Uncertain significance. Last evaluated: 2025-04-17. Review status: criteria provided, single submitter. Criteria: Athena Diagnostics Criteria. Collection method: clinical testing. Allele origin: unknown.
Comment: Available data are insufficient to determine the clinical significance of the variant at this time. The frequency of this variant in the general population is uninformative in assessment of its pathogenicity. Polyphen and MutationTaster predict this amino acid change may be damaging to the protein.

Labcorp Genetics (formerly Invitae), Labcorp
Classification: Uncertain significance for Osteogenesis imperfecta type I; Ehlers-Danlos syndrome, classic type, 1. Last evaluated: 2022-09-14. Review status: criteria provided, single submitter. Criteria: Invitae Variant Classification Sherloc (09022015). Collection method: clinical testing. Allele origin: germline.
Comment: This sequence change replaces alanine, which is neutral and non-polar, with threonine, which is neutral and polar, at codon 164 of the COL1A2 protein (p.Ala164Thr). This variant is present in population databases (rs772512344, gnomAD 0.02%). This variant has not been reported in the literature in individuals affected with COL1A2-related conditions. Advanced modeling of protein sequence and biophysical properties (such as structural, functional, and spatial information, amino acid conservation, physicochemical variation, residue mobility, and thermodynamic stability) performed at Invitae indicates that this missense variant is not expected to disrupt COL1A2 protein function. In summary, the available evidence is currently insufficient to determine the role of this variant in disease. Therefore, it has been classified as a Variant of Uncertain Significance.

NM_000089.4(COL1A2):c.490G>A (p.Ala164Thr)

Gene: COL1A2 (collagen type I alpha 2 chain; plus strand). Cytogenetic location: 7q21.3.
Variant type: single nucleotide variant.
Coding change: c.490G>A on transcript NM_000089.4 (MANE Select); coding-DNA position 490, G replaced by A.
Protein change: p.Ala164Thr; replaces alanine 164 with threonine.
Molecular consequence: missense variant.
Genome position (GRCh38, 1-based): chr7:94,405,676, G>A. VCF-style: chr7-94405676-G-A. GRCh37 (hg19) VCF-style: chr7-94034988-G-A.
Other names: short protein forms A164T.
Identifiers: ClinVar variation 2138315 (VCV002138315.5), dbSNP rs772512344, ClinGen allele CA4346694.
Genomic context (GRCh38, chr7:94,405,676, plus strand): 5'-ACTGTCTTTTTATTTATGGTAAAACATTATTCACCATCTTCTGTATTTCTTTCTAAGGGT[G>A]CTCGTGGTTTCCCTGGAACTCCTGGACTTCCTGGCTTCAAAGGCATTAGGGTGAGCACAT-3'
Protein context (NP_000080.2, residues 154-174): GERGVVGPQG[Ala164Thr]RGFPGTPGLP